The following is an entry in ClinVar:

NM_005633.4(SOS1):c.214-10A>G

Gene: SOS1 (SOS Ras/Rac guanine nucleotide exchange factor 1; minus strand). Cytogenetic location: 2p22.1.
Variant type: single nucleotide variant.
Coding change: c.214-10A>G on transcript NM_005633.4 (MANE Select); 10 bases into the intron before coding-DNA position 214, A replaced by G.
Molecular consequence: intron variant.
Genome position (GRCh38, 1-based): chr2:39,058,814, T>C on the plus strand (A>G on the coding strand, the complement: SOS1 is on the minus strand). VCF-style: chr2-39058814-T-C. GRCh37 (hg19) VCF-style: chr2-39285955-T-C.
Other names: c.193-10A>G (NM_001382394.1); c.214-10A>G (NM_001382395.1).
Identifiers: ClinVar variation 477717 (VCV000477717.16), dbSNP rs371447614, ClinGen allele CA1624831.
Genomic context (GRCh38, chr2:39,058,814, plus strand): 5'-AGCTATTGCCCATTTATCAATTGGATGAGGGAAACTTTTTTGAACACGTTCCTTGGAAAA[T>C]AGGAAAATAACAACTAAGCAAAAAATATATTAAATAGTGCTCTTCACTTAAAATTTACTT-3'

ClinVar aggregate classification (germline): Benign/Likely benign. Review status: criteria provided, multiple submitters, no conflicts (2 of 4 stars). 7 submissions from 6 submitters: Benign (4); Likely benign (3). Last evaluated 2026-02-01.

Conditions:
SOS1-related disorder. Also called: SOS1-related condition.
RASopathy. Also called: Noonan spectrum disorder; rasopathies. Identifiers: Orphanet 536391, MedGen C5555857, MONDO:0021060.
Noonan syndrome 4 (NS4). Also called: SOS1-Related Noonan Syndrome; NOONAN SYNDROME WITH PIGMENTED VILLONODULAR SYNOVITIS. Identifiers: Orphanet 648, MedGen C1853120, MONDO:0012547, OMIM 610733.
Fibromatosis, gingival, 1 (GINGF1). Identifiers: Orphanet 2024, MedGen C4551558, MONDO:0007609, OMIM 135300.

Allele frequency attached by ClinVar (database versions not stated): gnomAD 0.00014 and 0.00017; TOPMed 0.00020; ExAC 0.00006; ESP Exome Variant Server 0.00008; gnomAD exomes 0.00008.
gnomAD v4.1: 61 of 1,609,518 alleles (0.0038%); highest among the groups gnomAD compares: African/African-American, 0.044%; no homozygotes.

Submissions (7):

Labcorp Genetics (formerly Invitae), Labcorp
Classification: Likely benign for RASopathy. Last evaluated: 2026-02-01. Review status: criteria provided, single submitter. Criteria: Invitae Variant Classification Sherloc (09022015). Collection method: clinical testing. Allele origin: germline.

PreventionGenetics, part of Exact Sciences
Classification: Likely benign for SOS1-related condition. Last evaluated: 2025-03-25. Review status: criteria provided, single submitter. Criteria: ACMG Guidelines, 2015. Collection method: clinical testing. Allele origin: germline.
Comment: This variant is classified as likely benign based on ACMG/AMP sequence variant interpretation guidelines (Richards et al. 2015 PMID: 25741868, with internal and published modifications).

Blueprint Genetics
Classification: Likely benign. Last evaluated: 2024-08-29. Review status: criteria provided, single submitter. Criteria: ACMG Guidelines, 2015. Collection method: clinical testing. Allele origin: germline.

Women's Health and Genetics/Laboratory Corporation of America, LabCorp
Classification: Benign. Last evaluated: 2022-07-10. Review status: criteria provided, single submitter. Criteria: LabCorp Variant Classification Summary - May 2015. Collection method: clinical testing. Allele origin: germline.

GeneDx
Classification: Benign. Last evaluated: 2020-10-30. Review status: criteria provided, single submitter. Criteria: GeneDx Variant Classification Process June 2021. Collection method: clinical testing. Allele origin: germline. Affected: yes.

Genome-Nilou Lab
Classification: Benign for Noonan syndrome 4. Review status: criteria provided, single submitter. Criteria: ACMG Guidelines, 2015. Collection method: clinical testing. Allele origin: germline.

Genome-Nilou Lab
Classification: Benign for Fibromatosis, gingival, 1. Review status: criteria provided, single submitter. Criteria: ACMG Guidelines, 2015. Collection method: clinical testing. Allele origin: germline.